The following is an entry in ClinVar:

ClinVar aggregate classification (germline): Uncertain significance. Review status: criteria provided, multiple submitters, no conflicts (2 of 4 stars). 2 submissions from 2 submitters: Uncertain significance (2). Last evaluated 2025-11-15.

Conditions:
Choanal atresia-athelia-hypothyroidism-delayed puberty-short stature syndrome (BCAHH). Also called: BRANCHIAL ARCH ABNORMALITIES, CHOANAL ATRESIA, ATHELIA, HEARING LOSS, AND HYPOTHYROIDISM SYNDROME. Identifiers: Orphanet 589856, MedGen C5680310, MONDO:0035651, OMIM 620186.
Kabuki syndrome 1 (KABUK1). Also called: KMT2D-Related Kabuki Syndrome. Identifiers: Orphanet 2322, MedGen CN030661, MONDO:0007843, OMIM 147920.
Kabuki syndrome. Also called: NIIKAWA-KUROKI SYNDROME; Kabuki make-up syndrome. Identifiers: Orphanet 2322, MedGen C0796004, MONDO:0016512.

gnomAD v4.1: 2 of 1,550,518 alleles (0.00013%); highest among the groups gnomAD compares: Non-Finnish European, 0.000087%; no homozygotes.

Submissions (2):

Labcorp Genetics (formerly Invitae), Labcorp
Classification: Uncertain significance for Kabuki syndrome. Last evaluated: 2025-11-15. Review status: criteria provided, single submitter. Criteria: Invitae Variant Classification Sherloc (09022015). Collection method: clinical testing. Allele origin: germline.
Comment: This sequence change replaces glutamine, which is neutral and polar, with arginine, which is basic and polar, at codon 3924 of the KMT2D protein (p.Gln3924Arg). This variant is not present in population databases (gnomAD no frequency). This variant has not been reported in the literature in individuals affected with KMT2D-related conditions. ClinVar contains an entry for this variant (Variation ID: 3574695). Invitae Evidence Modeling of protein sequence and biophysical properties (such as structural, functional, and spatial information, amino acid conservation, physicochemical variation, residue mobility, and thermodynamic stability) indicates that this missense variant is not expected to disrupt KMT2D protein function with a negative predictive value of 95%. In summary, the available evidence is currently insufficient to determine the role of this variant in disease. Therefore, it has been classified as a Variant of Uncertain Significance.

Fulgent Genetics
Classification: Uncertain significance for Kabuki syndrome 1; Choanal atresia-athelia-hypothyroidism-delayed puberty-short stature syndrome. Last evaluated: 2024-04-23. Review status: criteria provided, single submitter. Criteria: ACMG Guidelines, 2015. Collection method: clinical testing. Allele origin: germline.

NM_003482.4(KMT2D):c.11771A>G (p.Gln3924Arg)

Gene: KMT2D (lysine methyltransferase 2D; minus strand). Cytogenetic location: 12q13.12.
Variant type: single nucleotide variant.
Coding change: c.11771A>G on transcript NM_003482.4 (MANE Select); coding-DNA position 11771, A replaced by G.
Protein change: p.Gln3924Arg; replaces glutamine 3924 with arginine.
Molecular consequence: missense variant.
Genome position (GRCh38, 1-based): chr12:49,032,934, T>C on the plus strand (A>G on the coding strand, the complement: KMT2D is on the minus strand). VCF-style: chr12-49032934-T-C. GRCh37 (hg19) VCF-style: chr12-49426717-T-C.
Other names: short protein forms Q3924R.
Identifiers: ClinVar variation 3574695 (VCV003574695.2).